The following is an entry in ClinVar:

NM_002734.5(PRKAR1A):c.23C>A (p.Ala8Asp)

Gene: PRKAR1A (protein kinase cAMP-dependent type I regulatory subunit alpha; plus strand). Cytogenetic location: 17q24.2.
Variant type: single nucleotide variant.
Coding change: c.23C>A on transcript NM_002734.5 (MANE Select); coding-DNA position 23, C replaced by A.
Protein change: p.Ala8Asp; replaces alanine 8 with aspartic acid.
Molecular consequence: missense variant.
Genome position (GRCh38, 1-based): chr17:68,515,422, C>A. VCF-style: chr17-68515422-C-A. GRCh37 (hg19) VCF-style: chr17-66511563-C-A.
Other names: c.23C>A, p.Ala8Asp (NM_001276289.2, NM_001276290.1, NM_001278433.2 and 4 more transcripts); short protein forms A8D.
Identifiers: ClinVar variation 940740 (VCV000940740.9), dbSNP rs2085400226, ClinGen allele CA400751801.

ClinVar aggregate classification (germline): Uncertain significance (1 of 4 stars; one submission).

Conditions:
Carney complex, type 1 (CNC1). Also called: CARNEY MYXOMA-ENDOCRINE COMPLEX; CARNEY COMPLEX, TYPE I. Identifiers: Orphanet 1359, MedGen C2607929, MONDO:0008057, OMIM 160980.

Submission:

Labcorp Genetics (formerly Invitae), Labcorp
Classification: Uncertain significance for Carney complex, type 1. Last evaluated: 2019-09-24. Review status: criteria provided, single submitter. Criteria: Invitae Variant Classification Sherloc (09022015). Collection method: clinical testing. Allele origin: germline.
Comment: This sequence change replaces alanine with aspartic acid at codon 8 of the PRKAR1A protein (p.Ala8Asp). The alanine residue is weakly conserved and there is a moderate physicochemical difference between alanine and aspartic acid. Algorithms developed to predict the effect of missense changes on protein structure and function (SIFT, PolyPhen-2, Align-GVGD) all suggest that this variant is likely to be tolerated, but these predictions have not been confirmed by published functional studies and their clinical significance is uncertain. This variant has not been reported in the literature in individuals with PRKAR1A-related conditions. This variant is not present in population databases (ExAC no frequency). In summary, the available evidence is currently insufficient to determine the role of this variant in disease. Therefore, it has been classified as a Variant of Uncertain Significance.